The following is an entry in ClinVar:

NM_001122630.2(CDKN1C):c.478_479insTCGCGGTCCTGGCCCCGGCCCCGGCCCCGGCTCCGGCTCCGGCTCCGGCCCCGG (p.Ala159_Ala160insValAlaValLeuAlaProAlaProAlaProAlaProAlaProAlaProAlaPro)

Gene: CDKN1C (cyclin dependent kinase inhibitor 1C; minus strand). Cytogenetic location: 11p15.4.
Variant type: Insertion.
Coding change: c.478_479insTCGCGGTCCTGGCCCCGGCCCCGGCCCCGGCTCCGGCTCCGGCTCCGGCCCCGG on transcript NM_001122630.2 (MANE Select); coding-DNA positions 478 to 479, TCGCGGTCCTGGCCCCGGCCCCGGCCCCGGCTCCGGCTCCGGCTCCGGCCCCGG inserted.
Protein change: p.Ala159_Ala160insValAlaValLeuAlaProAlaProAlaProAlaProAlaProAlaProAlaPro.
Molecular consequence: inframe insertion. On other transcripts: intron variant (1).
Genome position: GRCh38: chr11:2,884,981-2,884,982. GRCh37 (hg19): chr11:2,906,211-2,906,212.
Other names: c.511_512insTCGCGGTCCTGGCCCCGGCCCCGGCCCCGGCTCCGGCTCCGGCTCCGGCCCCGG, p.Ala170_Ala171insValAlaValLeuAlaProAlaProAlaProAlaProAlaProAlaProAlaPro (NM_000076.2, NM_001362474.2); c.478_479insTCGCGGTCCTGGCCCCGGCCCCGGCCCCGGCTCCGGCTCCGGCTCCGGCCCCGG, p.Ala159_Ala160insValAlaValLeuAlaProAlaProAlaProAlaProAlaProAlaProAlaPro (NM_001122631.2); c.255+223_255+224insCGGTCGCGGTCCTGGCCCCGGCCCCGGCCCCGGCTCCGGCTCCGGCTCCGGCCC (NM_001362475.2).
Identifiers: ClinVar variation 4738276 (VCV004738276.1).

ClinVar aggregate classification (germline): Uncertain significance (1 of 4 stars; one submission).

Conditions:
Beckwith-Wiedemann syndrome (BWS). Also called: Exomphalos macroglossia gigantism syndrome; EMG SYNDROME. Identifiers: Orphanet 116, MedGen C0004903, MONDO:0007534, OMIM 130650.

Submission:

Labcorp Genetics (formerly Invitae), Labcorp
Classification: Uncertain significance for Beckwith-Wiedemann syndrome. Last evaluated: 2025-08-13. Review status: criteria provided, single submitter. Criteria: Invitae Variant Classification Sherloc (09022015). Collection method: clinical testing. Allele origin: germline.
Comment: This variant, c.511_512ins54, results in the insertion of 18 amino acid(s) of the CDKN1C protein (p.Ala170_Ala171ins18), but otherwise preserves the integrity of the reading frame. The frequency data for this variant in the population databases is considered unreliable, as metrics indicate insufficient coverage at this position in the gnomAD database. This variant has not been reported in the literature in individuals affected with CDKN1C-related conditions. Experimental studies and prediction algorithms are not available or were not evaluated, and the functional significance of this variant is currently unknown. In summary, the available evidence is currently insufficient to determine the role of this variant in disease. Therefore, it has been classified as a Variant of Uncertain Significance.